The following is an entry in ClinVar:

NM_000135.4(FANCA):c.3574C>T (p.Pro1192Ser)

Gene: FANCA (FA complementation group A; minus strand). Cytogenetic location: 16q24.3.
Variant type: single nucleotide variant.
Coding change: c.3574C>T on transcript NM_000135.4 (MANE Select); coding-DNA position 3574, C replaced by T.
Protein change: p.Pro1192Ser; replaces proline 1192 with serine.
Molecular consequence: missense variant.
Genome position (GRCh38, 1-based): chr16:89,745,011, G>A on the plus strand (C>T on the coding strand, the complement: FANCA is on the minus strand). VCF-style: chr16-89745011-G-A. GRCh37 (hg19) VCF-style: chr16-89811419-G-A.
Other names: c.3574C>T, p.Pro1192Ser (NM_001286167.3); short protein forms P1192S.
Identifiers: ClinVar variation 1354091 (VCV001354091.6), dbSNP rs2062210666, ClinGen allele CA397485671.

ClinVar aggregate classification (germline): Uncertain significance. Review status: criteria provided, multiple submitters, no conflicts (2 of 4 stars). 2 submissions from 2 submitters: Uncertain significance (2). Last evaluated 2025-09-14.

Conditions:
Fanconi anemia (FA). Also called: Fanconi's anemia. Identifiers: Orphanet 84, MedGen C0015625, MeSH D005199, MONDO:0019391.
Fanconi anemia complementation group A (FANCA). Also called: FANCA-Related Fanconi Anemia; Fanconi anemia, group A. Identifiers: Orphanet 84, MedGen C3469521, MONDO:0009215, OMIM 227650.

Allele frequency attached by ClinVar (database versions not stated): gnomAD exomes below 0.00001; TOPMed below 0.00001.
gnomAD v4.1: 2 of 1,610,964 alleles (0.00012%); highest among the groups gnomAD compares: African/African-American, 0.0013%; no homozygotes.

Submissions (2):

Labcorp Genetics (formerly Invitae), Labcorp
Classification: Uncertain significance for Fanconi anemia. Last evaluated: 2025-09-14. Review status: criteria provided, single submitter. Criteria: Invitae Variant Classification Sherloc (09022015). Collection method: clinical testing. Allele origin: germline.
Comment: This sequence change replaces proline, which is neutral and non-polar, with serine, which is neutral and polar, at codon 1192 of the FANCA protein (p.Pro1192Ser). This variant is not present in population databases (gnomAD no frequency). This variant has not been reported in the literature in individuals affected with FANCA-related conditions. ClinVar contains an entry for this variant (Variation ID: 1354091). Invitae Evidence Modeling of protein sequence and biophysical properties (such as structural, functional, and spatial information, amino acid conservation, physicochemical variation, residue mobility, and thermodynamic stability) indicates that this missense variant is not expected to disrupt FANCA protein function with a negative predictive value of 95%. In summary, the available evidence is currently insufficient to determine the role of this variant in disease. Therefore, it has been classified as a Variant of Uncertain Significance.

Fulgent Genetics
Classification: Uncertain significance for Fanconi anemia complementation group A. Last evaluated: 2024-05-04. Review status: criteria provided, single submitter. Criteria: ACMG Guidelines, 2015. Collection method: clinical testing. Allele origin: germline.